The following is an entry in ClinVar:

NM_012120.3(CD2AP):c.*1017T>A

Gene: CD2AP (CD2 associated protein; plus strand). Cytogenetic location: 6p12.3.
Variant type: single nucleotide variant.
Coding change: c.*1017T>A on transcript NM_012120.3 (MANE Select); 1017 bases downstream of the stop codon, T replaced by A.
Molecular consequence: 3 prime UTR variant.
Genome position (GRCh38, 1-based): chr6:47,625,244, T>A. VCF-style: chr6-47625244-T-A. GRCh37 (hg19) VCF-style: chr6-47592980-T-A.
Identifiers: ClinVar variation 910449 (VCV000910449.4), dbSNP rs192279940, ClinGen allele CA137938432.

ClinVar aggregate classification (germline): Benign (1 of 4 stars; one submission).

Conditions:
Focal segmental glomerulosclerosis 3, susceptibility to (FSGS3). Identifiers: Orphanet 656, MedGen C1842982, MONDO:0011917, OMIM 607832.

Allele frequency attached by ClinVar (database versions not stated): gnomAD 0.00006 and 0.00011; TOPMed 0.00019; 1000 Genomes Project 0.00080; 1000 Genomes Project 30x 0.00125.
gnomAD v4.1: 17 of 152,020 alleles (0.011%); highest among the groups gnomAD compares: East Asian, 0.33%; no homozygotes.

Submission:

Illumina Laboratory Services, Illumina
Classification: Benign for Focal segmental glomerulosclerosis 3, susceptibility to. Last evaluated: 2018-01-13. Review status: criteria provided, single submitter. Criteria: ICSL Variant Classification Criteria 13 December 2019. Collection method: clinical testing. Allele origin: germline.
Comment: This variant was observed in the ICSL laboratory as part of a predisposition screen in an ostensibly healthy population. It had not been previously curated by ICSL or reported in the Human Gene Mutation Database (HGMD: prior to June 1st, 2018), and was therefore a candidate for classification through an automated scoring system. Utilizing variant allele frequency, disease prevalence and penetrance estimates, and inheritance mode, an automated score was calculated to assess if this variant is too frequent to cause the disease. Based on the score and internal cut-off values, a variant classified as benign is not then subjected to further curation. The score for this variant resulted in a classification of benign for this disease.